The following is an entry in ClinVar:

ClinVar aggregate classification (germline): Benign/Likely benign. Review status: criteria provided, multiple submitters, no conflicts (2 of 4 stars). 10 submissions from 10 submitters: Benign (3); Likely benign (4). 3 of the submissions do not count toward it. Last evaluated 2026-09-01.

Conditions:
ELN-related disorder.
Supravalvar aortic stenosis (SVAS). Also called: Supravalvar aortic stenosis, Eisenberg type. Identifiers: Orphanet 3193, MedGen C0003499, MONDO:0008504, OMIM 185500, HP:0004381.

Allele frequency attached by ClinVar (database versions not stated): 1000 Genomes Project 0.00100; 1000 Genomes Project 30x 0.00109; gnomAD exomes 0.00264 and 0.00350; gnomAD 0.00283 and 0.00287; ESP Exome Variant Server 0.00300; ExAC 0.00304; TOPMed 0.00352.
gnomAD v4.1: 4,462 of 1,614,022 alleles (0.28%); highest among the groups gnomAD compares: Middle Eastern, 2.9%; 18 homozygotes.

Submissions (10):

CeGaT Center for Human Genetics Tuebingen
Classification: Likely benign. Last evaluated: 2026-09-01. Review status: criteria provided, single submitter. Criteria: CeGaT Center For Human Genetics Tuebingen Variant Classification Criteria Version 2. Collection method: clinical testing. Allele origin: germline. Affected: yes. Observed: 37 variant alleles.
Comment: ELN: BP4, BP7

Labcorp Genetics (formerly Invitae), Labcorp
Classification: Benign for Supravalvar aortic stenosis. Last evaluated: 2026-02-01. Review status: criteria provided, single submitter. Criteria: Invitae Variant Classification Sherloc (09022015). Collection method: clinical testing. Allele origin: germline.

Molecular Diagnostic Laboratory for Inherited Cardiovascular Disease, Montreal Heart Institute
Classification: Benign. Last evaluated: 2025-04-09. Review status: criteria provided, single submitter. Criteria: ACMG Guidelines, 2015. Collection method: clinical testing. Allele origin: germline. Affected: no.

Blueprint Genetics
Classification: Likely benign. Last evaluated: 2024-11-27. Review status: criteria provided, single submitter. Criteria: ACMG Guidelines, 2015. Collection method: clinical testing. Allele origin: germline.

Laboratory for Molecular Medicine, Mass General Brigham Personalized Medicine
Classification: Benign. Last evaluated: 2016-07-13. Review status: criteria provided, single submitter. Criteria: LMM Criteria. Collection method: clinical testing. Allele origin: germline. Observed: 2 variant alleles.
Comment: p.Gly528Gly in exon 23 of ELN: This variant is not expected to have clinical si gnificance because it does not alter an amino acid residue and is not located wi thin the splice consensus sequence. It has been identified in 0.4% (283/66738) o f European chromosomes by the Exome Aggregation Consortium (ExAC; dbSNPrs61734584).

Eurofins Ntd Llc (ga)
Classification: Likely benign. Last evaluated: 2016-05-17. Review status: criteria provided, single submitter. Criteria: EGL Classification Definitions 2015. Collection method: clinical testing. Allele origin: germline. Observed: 1 variant allele, 1 heterozygote.

Breakthrough Genomics
Classification: Likely benign. Review status: criteria provided, single submitter. Criteria: ACMG Guidelines, 2015. Collection method: not provided. Allele origin: germline. Inheritance: Autosomal dominant inheritance. Affected: yes.

PreventionGenetics, part of Exact Sciences
Classification: Benign for ELN-related condition. Last evaluated: 2019-03-27. Review status: no assertion criteria provided. Collection method: clinical testing. Allele origin: germline. Not counted in ClinVar's aggregate classification.
Comment: This variant is classified as benign based on ACMG/AMP sequence variant interpretation guidelines (Richards et al. 2015 PMID: 25741868, with internal and published modifications).

Clinical Genetics DNA and cytogenetics Diagnostics Lab, Erasmus MC, Erasmus Medical Center
Classification: Likely benign. Review status: no assertion criteria provided. Collection method: clinical testing. Allele origin: germline. Affected: yes. Study: VKGL Data-share Consensus. Not counted in ClinVar's aggregate classification.

Genome Diagnostics Laboratory, Amsterdam University Medical Center
Classification: Benign. Review status: no assertion criteria provided. Collection method: clinical testing. Allele origin: germline. Affected: yes. Study: VKGL Data-share Consensus. Not counted in ClinVar's aggregate classification.

NM_000501.4(ELN):c.1566T>A (p.Gly522=)

Genes: ELN (elastin; plus strand), ELN-AS1 (ELN antisense RNA 1; minus strand). Cytogenetic location: 7q11.23.
Variant type: single nucleotide variant.
Coding change: c.1566T>A on transcript NM_000501.4 (MANE Select); coding-DNA position 1566, T replaced by A.
Protein change: p.Gly522=; no amino-acid change (glycine 522 retained).
Molecular consequence: synonymous variant.
Genome position (GRCh38, 1-based): chr7:74,060,037, T>A. VCF-style: chr7-74060037-T-A. GRCh37 (hg19) VCF-style: chr7-73474367-T-A.
Other names: (hg19)chr7:g.73474198-73474378:c.1584T>A; c.1479T>A, p.Gly493= (NM_001081752.3); c.1524T>A, p.Gly508= (NM_001081753.3); c.1581T>A, p.Gly527= (NM_001081754.3); c.1509T>A, p.Gly503= (NM_001081755.3); c.1566T>A, p.Gly522= (NM_001278912.2); c.1323T>A, p.Gly441= (NM_001278913.2); c.1494T>A, p.Gly498= (NM_001278914.2); and 5 more.
Identifiers: ClinVar variation 213164 (VCV000213164.58), dbSNP rs61734584, ClinGen allele CA321858.